The following is an entry in ClinVar:

NM_032228.6(FAR1):c.689C>T (p.Ser230Leu)

Gene: FAR1 (fatty acyl-CoA reductase 1; plus strand). Cytogenetic location: 11p15.3.
Variant type: single nucleotide variant.
Coding change: c.689C>T on transcript NM_032228.6 (MANE Select); coding-DNA position 689, C replaced by T.
Protein change: p.Ser230Leu; replaces serine 230 with leucine.
Molecular consequence: missense variant. On other transcripts: intron variant (3).
Genome position (GRCh38, 1-based): chr11:13,710,836, C>T. VCF-style: chr11-13710836-C-T. GRCh37 (hg19) VCF-style: chr11-13732383-C-T.
Other names: c.689C>T, p.Ser230Leu (NM_001441242.1, NM_001441243.1, NM_001441244.1 and 2 more transcripts); c.509C>T, p.Ser170Leu (NM_001441246.1); c.546-928C>T (NM_001441248.1); c.546-2130C>T (NM_001441249.1); c.545+2757C>T (NM_001441250.1); short protein forms S230L, S170L.
Identifiers: ClinVar variation 4741807 (VCV004741807.1).

ClinVar aggregate classification (germline): Uncertain significance (1 of 4 stars; one submission).

Submission:

Labcorp Genetics (formerly Invitae), Labcorp
Classification: Uncertain significance. Last evaluated: 2025-03-11. Review status: criteria provided, single submitter. Criteria: Invitae Variant Classification Sherloc (09022015). Collection method: clinical testing. Allele origin: germline.
Comment: This sequence change replaces serine, which is neutral and polar, with leucine, which is neutral and non-polar, at codon 230 of the FAR1 protein (p.Ser230Leu). This variant is not present in population databases (gnomAD no frequency). This variant has not been reported in the literature in individuals affected with FAR1-related conditions. Invitae Evidence Modeling of protein sequence and biophysical properties (such as structural, functional, and spatial information, amino acid conservation, physicochemical variation, residue mobility, and thermodynamic stability) indicates that this missense variant is expected to disrupt FAR1 protein function with a positive predictive value of 80%. In summary, the available evidence is currently insufficient to determine the role of this variant in disease. Therefore, it has been classified as a Variant of Uncertain Significance.